The following is an entry in ClinVar:

ClinVar aggregate classification (germline): Uncertain significance (1 of 4 stars; one submission).

Allele frequency attached by ClinVar (database versions not stated): gnomAD exomes below 0.00001; gnomAD 0.00001; TOPMed 0.00001.
gnomAD v4.1: 3 of 1,597,044 alleles (0.00019%); highest among the groups gnomAD compares: Non-Finnish European, 0.00025%; no homozygotes.

Submission:

Labcorp Genetics (formerly Invitae), Labcorp
Classification: Uncertain significance. Last evaluated: 2022-05-15. Review status: criteria provided, single submitter. Criteria: Invitae Variant Classification Sherloc (09022015). Collection method: clinical testing. Allele origin: germline.
Comment: In summary, the available evidence is currently insufficient to determine the role of this variant in disease. Therefore, it has been classified as a Variant of Uncertain Significance. Algorithms developed to predict the effect of sequence changes on RNA splicing suggest that this variant may disrupt the consensus splice site. This variant has not been reported in the literature in individuals affected with SZT2-related conditions. This variant is present in population databases (no rsID available, gnomAD 0.001%). This sequence change falls in intron 4 of the SZT2 gene. It does not directly change the encoded amino acid sequence of the SZT2 protein.

NM_001365999.1(SZT2):c.499-12T>G

Gene: SZT2 (SZT2 subunit of KICSTOR complex; plus strand). Cytogenetic location: 1p34.2.
Variant type: single nucleotide variant.
Coding change: c.499-12T>G on transcript NM_001365999.1 (MANE Select); 12 bases into the intron before coding-DNA position 499, T replaced by G.
Molecular consequence: intron variant.
Genome position (GRCh38, 1-based): chr1:43,415,070, T>G. VCF-style: chr1-43415070-T-G. GRCh37 (hg19) VCF-style: chr1-43880741-T-G.
Other names: c.499-12T>G (NM_015284.4).
Identifiers: ClinVar variation 1502951 (VCV001502951.6), dbSNP rs767163726, ClinGen allele CA522505031.